The following is an entry in ClinVar:

NM_002638.4(PI3):c.1A>G (p.Met1Val)

Genes: PI3 (peptidase inhibitor 3; plus strand), LOC126863037 (BRD4-independent group 4 enhancer GRCh37_chr20:43803133-43804332; plus strand). Cytogenetic location: 20q13.12.
Variant type: single nucleotide variant.
Coding change: c.1A>G on transcript NM_002638.4 (MANE Select); coding-DNA position 1, A replaced by G.
Protein change: p.Met1Val; changes the start codon (methionine 1).
Molecular consequence: missense variant, initiator codon variant.
Genome position (GRCh38, 1-based): chr20:45,174,923, A>G. VCF-style: chr20-45174923-A-G. GRCh37 (hg19) VCF-style: chr20-43803564-A-G.
Other names: short protein forms M1V.
Identifiers: ClinVar variation 489023 (VCV000489023.3), dbSNP rs761507163, ClinGen allele CA9874763.
Genomic context (GRCh38, chr20:45,174,923, plus strand): 5'-AGCTGGACTGCATAAAGATTGGTATGGCCTTAGCTCTTAGCCAAACACCTTCCTGACACC[A>G]TGAGGGCCAGCAGCTTCTTGATCGTGGTGGTGTTCCTCATCGCTGGGACGCTGGTTCTAG-3'
Protein context (NP_002629.1, residues 1-11): [Met1Val]RASSFLIVVV

ClinVar aggregate classification (germline): Uncertain significance (1 of 4 stars; one submission).

Allele frequency attached by ClinVar (database versions not stated): gnomAD exomes below 0.00001; ExAC 0.00001.

Submission:

GeneDx
Classification: Uncertain significance. Last evaluated: 2017-07-10. Review status: criteria provided, single submitter. Criteria: GeneDx Variant Classification (06012015). Collection method: clinical testing. Allele origin: germline. Affected: yes.
Comment: The c.1 A>G variant has not been reported previously as a pathogenic variant nor as a benign variant to our knowledge. As the c.1 A>G variant changes the translation initiator Methionine codon, the resultant protein is described as p.Met1?, using a question mark to signify that it is not known if the loss of Met1 means that all protein translation is completely prevented or if an abnormal protein is produced using an alternate Methionine. The c.1 A>G variant is not observed at a significant frequency in large population cohorts (Lek et al., 2016; 1000 Genomes Consortium et al., 2015; Exome Variant Server). We interpret c.1 A>Gas a variant of uncertain significance.